The following is an entry in ClinVar:

ClinVar aggregate classification (germline): Uncertain significance (1 of 4 stars; one submission).

Conditions:
Long QT syndrome (LQTS). Identifiers: MedGen C0023976, MeSH D008133, MONDO:0002442. Disease mechanism: loss of function. Inheritance: Various modes of inheritance.

Submission:

Labcorp Genetics (formerly Invitae), Labcorp
Classification: Uncertain significance for Long QT syndrome. Last evaluated: 2022-11-01. Review status: criteria provided, single submitter. Criteria: Invitae Variant Classification Sherloc (09022015). Collection method: clinical testing. Allele origin: germline.
Comment: In summary, the available evidence is currently insufficient to determine the role of this variant in disease. Therefore, it has been classified as a Variant of Uncertain Significance. Algorithms developed to predict the effect of missense changes on protein structure and function are either unavailable or do not agree on the potential impact of this missense change (SIFT: "Deleterious"; PolyPhen-2: "Probably Damaging"; Align-GVGD: "Class C0"). This variant has not been reported in the literature in individuals affected with AKAP9-related conditions. This variant is not present in population databases (gnomAD no frequency). This sequence change replaces valine, which is neutral and non-polar, with methionine, which is neutral and non-polar, at codon 2551 of the AKAP9 protein (p.Val2551Met).

NM_005751.5(AKAP9):c.7651G>A (p.Val2551Met)

Gene: AKAP9 (A-kinase anchoring protein 9; plus strand). Cytogenetic location: 7q21.2.
Variant type: single nucleotide variant.
Coding change: c.7651G>A on transcript NM_005751.5 (MANE Select); coding-DNA position 7651, G replaced by A.
Protein change: p.Val2551Met; replaces valine 2551 with methionine.
Molecular consequence: missense variant.
Genome position (GRCh38, 1-based): chr7:92,079,784, G>A. VCF-style: chr7-92079784-G-A. GRCh37 (hg19) VCF-style: chr7-91709098-G-A.
Other names: c.2296G>A, p.Val766Met (NM_001379277.1); c.7627G>A, p.Val2543Met (NM_147185.3); short protein forms V2543M, V2551M, V766M.
Identifiers: ClinVar variation 2811253 (VCV002811253.3), dbSNP rs1356938437, ClinGen allele CA368136218.
Genomic context (GRCh38, chr7:92,079,784, plus strand): 5'-TTTGAAACAGAAATGCTTCAAAAGAAGATTGTAAACCTACAGAAAATAGTTGAAGAAAAA[G>A]TGGCTGCTGCTCTTGTCAGTCAAATCCAACTTGAGGCAGTTCAGGAATATGCAAAATTCT-3'
Protein context (NP_005742.4, residues 2541-2561): VNLQKIVEEK[Val2551Met]AAALVSQIQL